The following is an entry in ClinVar:

ClinVar aggregate classification (germline): Uncertain significance. Review status: criteria provided, multiple submitters, no conflicts (2 of 4 stars). 2 submissions from 2 submitters: Uncertain significance (2). Last evaluated 2025-09-26.

Conditions:
Inborn genetic diseases. Identifiers: MedGen C0950123, MeSH D030342.

Allele frequency attached by ClinVar (database versions not stated): gnomAD exomes 0.00001; TOPMed 0.00001; gnomAD 0.00002.
gnomAD v4.1: 11 of 1,608,324 alleles (0.00068%); highest among the groups gnomAD compares: Non-Finnish European, 0.00094%; no homozygotes.

Submissions (2):

Ambry Genetics
Classification: Uncertain significance for Inborn genetic diseases. Last evaluated: 2025-09-26. Review status: criteria provided, single submitter. Criteria: Ambry Variant Classification Scheme 2023. Collection method: clinical testing. Allele origin: germline.

Labcorp Genetics (formerly Invitae), Labcorp
Classification: Uncertain significance. Last evaluated: 2021-11-28. Review status: criteria provided, single submitter. Criteria: Invitae Variant Classification Sherloc (09022015). Collection method: clinical testing. Allele origin: germline.
Comment: In summary, the available evidence is currently insufficient to determine the role of this variant in disease. Therefore, it has been classified as a Variant of Uncertain Significance. Algorithms developed to predict the effect of missense changes on protein structure and function (SIFT, PolyPhen-2, Align-GVGD) all suggest that this variant is likely to be tolerated. This variant has not been reported in the literature in individuals affected with POLR3B-related conditions. This variant is present in population databases (no rsID available, gnomAD 0.002%). This sequence change replaces asparagine, which is neutral and polar, with serine, which is neutral and polar, at codon 129 of the POLR3B protein (p.Asn129Ser).

NM_018082.6(POLR3B):c.386A>G (p.Asn129Ser)

Gene: POLR3B (RNA polymerase III subunit B; plus strand). Cytogenetic location: 12q23.3.
Variant type: single nucleotide variant.
Coding change: c.386A>G on transcript NM_018082.6 (MANE Select); coding-DNA position 386, A replaced by G.
Protein change: p.Asn129Ser; replaces asparagine 129 with serine.
Molecular consequence: missense variant.
Genome position (GRCh38, 1-based): chr12:106,369,665, A>G. VCF-style: chr12-106369665-A-G. GRCh37 (hg19) VCF-style: chr12-106763443-A-G.
Other names: c.212A>G, p.Asn71Ser (NM_001160708.2); c.386A>G (NM_018082.5); short protein forms N129S, N71S.
Identifiers: ClinVar variation 1496319 (VCV001496319.7), dbSNP rs1459230762, ClinGen allele CA386385995.